The following is an entry in ClinVar:

NM_000414.4(HSD17B4):c.367C>G (p.His123Asp)

Gene: HSD17B4 (hydroxysteroid 17-beta dehydrogenase 4; plus strand). Cytogenetic location: 5q23.1.
Variant type: single nucleotide variant.
Coding change: c.367C>G on transcript NM_000414.4 (MANE Select); coding-DNA position 367, C replaced by G.
Protein change: p.His123Asp; replaces histidine 123 with aspartic acid.
Molecular consequence: missense variant. On other transcripts: 5 prime UTR variant (1).
Genome position (GRCh38, 1-based): chr5:119,477,434, C>G. VCF-style: chr5-119477434-C-G. GRCh37 (hg19) VCF-style: chr5-118813129-C-G.
Other names: c.442C>G, p.His148Asp (NM_001199291.3); c.313C>G, p.His105Asp (NM_001199292.2); c.295C>G, p.His99Asp (NM_001292027.2); c.-45C>G (NM_001292028.2); short protein forms H123D, H148D, H105D, H99D.
Identifiers: ClinVar variation 191198 (VCV000191198.3), dbSNP rs786205574, ClinGen allele CA236235.
Genomic context (GRCh38, chr5:119,477,434, plus strand): 5'-AAGTTTTTACAAAATATTTAATAAAAATAATTTATTGTTTTAGATATAATCCACAGAGTT[C>G]ATTTGCGGGGTTCATTCCAAGTGACACGGGCAGCATGGGAACACATGAAGAAACAGAAGT-3'
Protein context (NP_000405.1, residues 113-133): DEDWDIIHRV[His123Asp]LRGSFQVTRA

ClinVar aggregate classification (germline): Likely pathogenic. Review status: criteria provided, single submitter (1 of 4 stars). 2 submissions from 1 submitter: Likely pathogenic (1). 1 of the submissions does not count toward it. Last evaluated 2024-03-17.

Conditions:
Perrault syndrome 1 (PRLTS1). Also called: GONADAL DYSGENESIS, XX TYPE, WITH DEAFNESS; OVARIAN DYSGENESIS WITH SENSORINEURAL DEAFNESS. Identifiers: Orphanet 2855, Orphanet 642945, MedGen C4551721, MONDO:0009300, OMIM 233400.

Submissions (2):

Genomic Medicine Center of Excellence, King Faisal Specialist Hospital and Research Centre
Classification: Likely pathogenic for Perrault syndrome 1. Last evaluated: 2024-03-17. Review status: criteria provided, single submitter. Criteria: ACMG Guidelines, 2015. Collection method: research. Allele origin: germline.

Genomic Medicine Center of Excellence, King Faisal Specialist Hospital and Research Centre
Classification: Likely pathogenic. Review status: flagged submission. Criteria: ACMG Guidelines, 2015. Collection method: research. Allele origin: germline. Affected: yes. Not counted in ClinVar's aggregate classification.
ClinVar note: Reason: This record appears to be redundant with a more recent record from the same submitter.
ClinVar note: Notes: SCV000221581 appears to be redundant with SCV004805155.